The following is an entry in ClinVar:

ClinVar aggregate classification (germline): Uncertain significance. Review status: criteria provided, multiple submitters, no conflicts (2 of 4 stars). 2 submissions from 2 submitters: Uncertain significance (2). Last evaluated 2025-09-03.

Conditions:
Congenital diaphragmatic hernia. Also called: DIH; Congenital diaphragmatic defect; Unilateral agenesis of diaphragm; Agenesis of hemidiaphragm. Identifiers: Orphanet 2140, MedGen C0235833, MeSH D065630, MONDO:0005711, HP:0000776.

Allele frequency attached by ClinVar (database versions not stated): ExAC 0.00003; gnomAD exomes 0.00011; TOPMed 0.00014.
gnomAD v4.1: 72 of 1,610,354 alleles (0.0045%); highest among the groups gnomAD compares: Admixed American, 0.089%; 1 homozygote.

Submissions (2):

Labcorp Genetics (formerly Invitae), Labcorp
Classification: Uncertain significance. Last evaluated: 2025-09-03. Review status: criteria provided, single submitter. Criteria: Invitae Variant Classification Sherloc (09022015). Collection method: clinical testing. Allele origin: germline.
Comment: This sequence change replaces glycine, which is neutral and non-polar, with alanine, which is neutral and non-polar, at codon 443 of the FGFRL1 protein (p.Gly443Ala). This variant is present in population databases (rs759581394, gnomAD 0.06%), and has an allele count higher than expected for a pathogenic variant. This variant has not been reported in the literature in individuals affected with FGFRL1-related conditions. ClinVar contains an entry for this variant (Variation ID: 992573). An algorithm developed to predict the effect of missense changes on protein structure and function outputs the following: PolyPhen-2: "Benign". The alanine amino acid residue is found in multiple mammalian species, which suggests that this missense change does not adversely affect protein function. In summary, the available evidence is currently insufficient to determine the role of this variant in disease. Therefore, it has been classified as a Variant of Uncertain Significance.

Daryl Scott Lab, Baylor College of Medicine
Classification: Uncertain significance for Congenital diaphragmatic hernia. Last evaluated: 2020-12-16. Review status: criteria provided, single submitter. Criteria: ACMG Guidelines, 2015. Collection method: clinical testing. Allele origin: maternal. Inheritance: Autosomal recessive inheritance. Affected: yes. Observed: 1 compound heterozygote.
Comment: All variants described are based on transcript NM_001004356.2.

NM_001004356.3(FGFRL1):c.1328G>C (p.Gly443Ala)

Gene: FGFRL1 (fibroblast growth factor receptor like 1; plus strand). Cytogenetic location: 4p16.3.
Variant type: single nucleotide variant.
Coding change: c.1328G>C on transcript NM_001004356.3 (MANE Select); coding-DNA position 1328, G replaced by C.
Protein change: p.Gly443Ala; replaces glycine 443 with alanine.
Molecular consequence: missense variant.
Genome position (GRCh38, 1-based): chr4:1,025,160, G>C. VCF-style: chr4-1025160-G-C. GRCh37 (hg19) VCF-style: chr4-1018948-G-C.
Other names: c.1328G>C, p.Gly443Ala (NM_001004358.1, NM_001370296.1, NM_021923.3); short protein forms G443A.
Identifiers: ClinVar variation 992573 (VCV000992573.8), dbSNP rs759581394, ClinGen allele CA2803080.